The following is an entry in ClinVar:

ClinVar aggregate classification (germline): Likely pathogenic (1 of 4 stars; one submission).

Submission:

GeneDx
Classification: Likely pathogenic. Last evaluated: 2025-12-09. Review status: criteria provided, single submitter. Criteria: GeneDx Variant Classification Process June 2021. Collection method: clinical testing. Allele origin: germline. Affected: yes.
Comment: Nonsense variant predicted to result in protein truncation or nonsense mediated decay in a gene for which loss of function is a known mechanism of disease; Not observed at significant frequency in large population cohorts (gnomAD); Has not been previously published as pathogenic or benign to our knowledge

NM_170606.3(KMT2C):c.3874C>T (p.Arg1292Ter)

Gene: KMT2C (lysine methyltransferase 2C; minus strand). Cytogenetic location: 7q36.1.
Variant type: single nucleotide variant.
Coding change: c.3874C>T on transcript NM_170606.3 (MANE Select); coding-DNA position 3874, C replaced by T.
Protein change: p.Arg1292Ter; replaces arginine 1292 with a stop codon.
Molecular consequence: nonsense.
Genome position (GRCh38, 1-based): chr7:152,205,193, G>A on the plus strand (C>T on the coding strand, the complement: KMT2C is on the minus strand). VCF-style: chr7-152205193-G-A. GRCh37 (hg19) VCF-style: chr7-151902278-G-A.
Other names: short protein forms R1292*.
Identifiers: ClinVar variation 504129 (VCV000504129.3), dbSNP rs1554526666, ClinGen allele CA370108287.